The following is an entry in ClinVar:

ClinVar aggregate classification (germline): Likely benign (1 of 4 stars; one submission).

gnomAD v4.1: 27 of 1,613,012 alleles (0.0017%); highest among the groups gnomAD compares: East Asian, 0.036%; no homozygotes.

Submission:

CeGaT Center for Human Genetics Tuebingen
Classification: Likely benign. Last evaluated: 2026-02-01. Review status: criteria provided, single submitter. Criteria: CeGaT Center For Human Genetics Tuebingen Variant Classification Criteria Version 2. Collection method: clinical testing. Allele origin: germline. Affected: yes. Observed: 1 variant allele.
Comment: CUX1: BP4, BP7

NM_001913.5(CUX1):c.1782C>T (p.Tyr594=)

Gene: CUX1 (cut like homeobox 1; plus strand). Cytogenetic location: 7q22.1.
Variant type: single nucleotide variant.
Coding change: c.1782C>T on transcript NM_001913.5 (MANE Plus Clinical); coding-DNA position 1782, C replaced by T.
Protein change: p.Tyr594=; no amino-acid change (tyrosine 594 retained).
Molecular consequence: synonymous variant.
Genome position (GRCh38, 1-based): chr7:102,280,821, C>T. VCF-style: chr7-102280821-C-T. GRCh37 (hg19) VCF-style: chr7-101924113-C-T.
Other names: c.1734C>T, p.Tyr578= (NM_001202544.3); c.1644C>T, p.Tyr548= (NM_001202545.3); c.1665C>T, p.Tyr555= (NM_001202546.3); c.1776C>T, p.Tyr592= (NM_181500.4).
Identifiers: ClinVar variation 4821660 (VCV004821660.4).